The following is an entry in ClinVar:

NM_000051.4(ATM):c.5093del (p.Lys1698fs)

Gene: ATM (ATM serine/threonine kinase; plus strand). Cytogenetic location: 11q22.3.
Variant type: Deletion.
Coding change: c.5093del on transcript NM_000051.4 (MANE Select); coding-DNA position 5093, one base deleted (A; older notation c.5093delA).
Protein change: p.Lys1698fs; shifts the reading frame from lysine 1698.
Molecular consequence: frameshift variant.
Genome position (GRCh38, 1-based): chr11:108,299,801, A deleted; the last of 2 consecutive A bases (chr11:108,299,800-108,299,801); deleting either gives the same sequence. VCF-style (leftmost placement, unchanged base first): chr11-108299799-CA-C. GRCh37 (hg19) VCF-style: chr11-108170526-CA-C.
Other names: c.5093del, p.Lys1698fs (NM_001351834.2); short protein forms K1698fs.
Identifiers: ClinVar variation 3967060 (VCV003967060.1).

ClinVar aggregate classification (germline): Pathogenic (1 of 4 stars; one submission).

Conditions:
Hereditary cancer-predisposing syndrome. Also called: Tumor predisposition; Hereditary neoplastic syndrome; Hereditary Cancer Syndrome; Neoplastic Syndromes, Hereditary. Identifiers: Orphanet 140162, MedGen C0027672, MeSH D009386, MONDO:0015356.

Submission:

Ambry Genetics
Classification: Pathogenic for Hereditary cancer-predisposing syndrome. Last evaluated: 2025-05-28. Review status: criteria provided, single submitter. Criteria: Ambry Variant Classification Scheme 2023. Collection method: clinical testing. Allele origin: germline.
Comment: The c.5093delA pathogenic mutation, located in coding exon 33 of the ATM gene, results from a deletion of one nucleotide at nucleotide position 5093, causing a translational frameshift with a predicted alternate stop codon (p.K1698Rfs*16). This variant is considered to be rare based on population cohorts in the Genome Aggregation Database (gnomAD). This alteration is expected to result in loss of function by premature protein truncation or nonsense-mediated mRNA decay. As such, this alteration is interpreted as a disease-causing mutation.